The following is an entry in ClinVar:

NM_000834.5(GRIN2B):c.718A>G (p.Ile240Val)

Gene: GRIN2B (glutamate ionotropic receptor NMDA type subunit 2B; minus strand). Cytogenetic location: 12p13.1.
Variant type: single nucleotide variant.
Coding change: c.718A>G on transcript NM_000834.5 (MANE Select); coding-DNA position 718, A replaced by G.
Protein change: p.Ile240Val; replaces isoleucine 240 with valine.
Molecular consequence: missense variant.
Genome position (GRCh38, 1-based): chr12:13,753,609, T>C on the plus strand (A>G on the coding strand, the complement: GRIN2B is on the minus strand). VCF-style: chr12-13753609-T-C. GRCh37 (hg19) VCF-style: chr12-13906543-T-C.
Other names: short protein forms I240V.
Identifiers: ClinVar variation 1285562 (VCV001285562.6), dbSNP rs2136629212, ClinGen allele CA384053736.

ClinVar aggregate classification (germline): Uncertain significance. Review status: criteria provided, multiple submitters, no conflicts (2 of 4 stars). 3 submissions from 3 submitters: Uncertain significance (3). Last evaluated 2024-03-04.

Conditions:
Intellectual developmental disorder, autosomal dominant 6, with or without seizures. Also called: Intellectual disability, autosomal dominant 6; GRIN2B-related developmental delay, intellectual disability and autism spectrum disorder. Identifiers: Orphanet 589547, MedGen C3151411, MONDO:0013509, OMIM 613970.
Developmental and epileptic encephalopathy, 27 (DEE27). Also called: GRIN2B-Related Neurodevelopmental Disorder; Epileptic encephalopathy, early infantile, 27. Identifiers: Orphanet 3451, MedGen C4015316, MONDO:0014505, OMIM 616139.

Submissions (3):

Women's Health and Genetics/Laboratory Corporation of America, LabCorp
Classification: Uncertain significance. Last evaluated: 2024-03-04. Review status: criteria provided, single submitter. Criteria: LabCorp Variant Classification Summary - May 2015. Collection method: clinical testing. Allele origin: germline.
Comment: Variant summary: GRIN2B c.718A>G (p.Ile240Val) results in a conservative amino acid change located in the Receptor, ligand binding region (IPR001828) of the encoded protein sequence. Four of five in-silico tools predict a benign effect of the variant on protein function. The variant was absent in 251160 control chromosomes (gnomAD). The available data on variant occurrences in the general population are insufficient to allow any conclusion about variant significance. To our knowledge, no occurrence of c.718A>G in individuals affected with Mental Retardation, Autosomal Dominant 6 and no experimental evidence demonstrating its impact on protein function have been reported. ClinVar contains an entry for this variant (Variation ID: 1285562). Based on the evidence outlined above, the variant was classified as uncertain significance.

Labcorp Genetics (formerly Invitae), Labcorp
Classification: Uncertain significance for Developmental and epileptic encephalopathy, 27; Intellectual developmental disorder, autosomal dominant 6, with or without seizures. Last evaluated: 2023-02-18. Review status: criteria provided, single submitter. Criteria: Invitae Variant Classification Sherloc (09022015). Collection method: clinical testing. Allele origin: germline.
Comment: This missense change has been observed in individual(s) with Lennox-Gastaut syndrome (Invitae). This variant is not present in population databases (gnomAD no frequency). This sequence change replaces isoleucine, which is neutral and non-polar, with valine, which is neutral and non-polar, at codon 240 of the GRIN2B protein (p.Ile240Val). ClinVar contains an entry for this variant (Variation ID: 1285562). In summary, the available evidence is currently insufficient to determine the role of this variant in disease. Therefore, it has been classified as a Variant of Uncertain Significance. Advanced modeling of protein sequence and biophysical properties (such as structural, functional, and spatial information, amino acid conservation, physicochemical variation, residue mobility, and thermodynamic stability) performed at Invitae indicates that this missense variant is not expected to disrupt GRIN2B protein function.

Institute of Human Genetics, University of Leipzig Medical Center
Classification: Uncertain significance for Developmental and epileptic encephalopathy, 27. Last evaluated: 2021-03-29. Review status: criteria provided, single submitter. Criteria: ACMG Guidelines, 2015. Collection method: clinical testing. Allele origin: unknown. Affected: yes.
Comment: Despite strong evidence for its pathogenicity, this variant has to be classified as of unknown significance, according to the ACMG-criteria (Richards et al., 2015)